The following is an entry in ClinVar:

NM_000143.4(FH):c.780_781del (p.Arg261fs)

Gene: FH (fumarate hydratase; minus strand). Cytogenetic location: 1q43.
Variant type: Deletion.
Coding change: c.780_781del on transcript NM_000143.4 (MANE Select); coding-DNA positions 780 to 781, 2 bases deleted (AA; older notation c.780_781delAA).
Protein change: p.Arg261fs; shifts the reading frame from arginine 261.
Molecular consequence: frameshift variant.
Genome position (GRCh38, 1-based): chr1:241,506,126-241,506,127, TT deleted on the plus strand (AA on the coding strand, the reverse complement: FH is on the minus strand). VCF-style (leftmost placement, unchanged base first): chr1-241506125-CTT-C. GRCh37 (hg19) VCF-style: chr1-241669425-CTT-C.
Other names: c.780_781delAA (NM_000143.3); short protein forms R261fs.
Identifiers: ClinVar variation 845546 (VCV000845546.11), dbSNP rs1659924638, ClinGen allele CA916081302.

ClinVar aggregate classification (germline): Pathogenic. Review status: criteria provided, multiple submitters, no conflicts (2 of 4 stars). 2 submissions from 2 submitters: Pathogenic (2). Last evaluated 2025-12-16.

Conditions:
Hereditary cancer-predisposing syndrome. Also called: Tumor predisposition; Hereditary neoplastic syndrome; Neoplastic Syndromes, Hereditary; Hereditary Cancer Syndrome. Identifiers: Orphanet 140162, MedGen C0027672, MeSH D009386, MONDO:0015356.

Submissions (2):

Labcorp Genetics (formerly Invitae), Labcorp
Classification: Pathogenic. Last evaluated: 2025-12-16. Review status: criteria provided, single submitter. Criteria: Invitae Variant Classification Sherloc (09022015). Collection method: clinical testing. Allele origin: germline.
Comment: This sequence change creates a premature translational stop signal (p.Arg261Asnfs*10) in the FH gene. It is expected to result in an absent or disrupted protein product. Loss-of-function variants in FH are known to be pathogenic (PMID: 11865300, 21398687). This variant is not present in population databases (gnomAD no frequency). This variant has not been reported in the literature in individuals affected with FH-related conditions. ClinVar contains an entry for this variant (Variation ID: 845546). For these reasons, this variant has been classified as Pathogenic.

Ambry Genetics
Classification: Pathogenic for Hereditary cancer-predisposing syndrome. Last evaluated: 2025-01-30. Review status: criteria provided, single submitter. Criteria: Ambry Variant Classification Scheme 2023. Collection method: clinical testing. Allele origin: germline.
Comment: The c.780_781delAA pathogenic mutation, located in coding exon 6 of the FH gene, results from a deletion of two nucleotides at nucleotide positions 780 to 781, causing a translational frameshift with a predicted alternate stop codon (p.R261Nfs*10). This variant was reported in individual(s) with features consistent with hereditary leiomyomatosis and renal cell cancer (HLRCC) (Ambry internal data). This variant is considered to be rare based on population cohorts in the Genome Aggregation Database (gnomAD). This alteration is expected to result in loss of function by premature protein truncation or nonsense-mediated mRNA decay. As such, this alteration is interpreted as a disease-causing mutation.

Literature cited by the submitters: PubMed 11865300 (cited by Labcorp Genetics (formerly Invitae), Labcorp); PubMed 21398687 (cited by Labcorp Genetics (formerly Invitae), Labcorp).